The following is an entry in ClinVar:

ClinVar aggregate classification (germline): Conflicting classifications of pathogenicity. Review status: criteria provided, conflicting classifications (1 of 4 stars). 4 submissions from 4 submitters: Uncertain significance (3); Likely benign (1). Last evaluated 2023-06-28.

Conditions:
Primary ciliary dyskinesia 15. Also called: CILIARY DYSKINESIA, PRIMARY, 15, WITH OR WITHOUT SITUS INVERSUS. Identifiers: Orphanet 244, MedGen C3151137, MONDO:0013435, OMIM 613808.
Primary ciliary dyskinesia. Also called: Ciliary dyskinesia. Identifiers: Orphanet 244, MedGen C0008780, MONDO:0016575, HP:0012265.

Allele frequency attached by ClinVar (database versions not stated): gnomAD 0.00001 and 0.00003; TOPMed 0.00003; gnomAD exomes 0.00008 and 0.00014; ESP Exome Variant Server 0.00017; ExAC 0.00020; 1000 Genomes Project 0.00060; 1000 Genomes Project 30x 0.00062.
gnomAD v4.1: 124 of 1,608,390 alleles (0.0077%); highest among the groups gnomAD compares: Middle Eastern, 0.083%; 2 homozygotes.

Submissions (4):

Ambry Genetics
Classification: Likely benign for Primary ciliary dyskinesia. Last evaluated: 2023-06-28. Review status: criteria provided, single submitter. Criteria: Ambry Variant Classification Scheme 2023. Collection method: clinical testing. Allele origin: germline.

Revvity Omics, Revvity
Classification: Uncertain significance for Primary ciliary dyskinesia 15. Last evaluated: 2021-12-02. Review status: criteria provided, single submitter. Criteria: ACMG Guidelines, 2015. Collection method: clinical testing. Allele origin: germline.

Baylor Genetics
Classification: Uncertain significance for Primary ciliary dyskinesia 15. Last evaluated: 2018-08-17. Review status: criteria provided, single submitter. Criteria: ACMG Guidelines, 2015. Collection method: clinical testing. Allele origin: unknown. Affected: yes.
Comment: This variant was determined to be of uncertain significance according to ACMG Guidelines, 2015 [PMID:25741868].

Labcorp Genetics (formerly Invitae), Labcorp
Classification: Uncertain significance for Primary ciliary dyskinesia. Last evaluated: 2016-04-18. Review status: criteria provided, single submitter. Criteria: Invitae Variant Classification Sherloc (09022015). Collection method: clinical testing. Allele origin: germline.
Comment: This sequence change replaces leucine with valine at codon 1062 of the CCDC40 protein (p.Leu1062Val). The leucine residue is highly conserved and there is a small physicochemical difference between leucine and valine. This variant is present in population databases (rs369522039, ExAC 0.1%) but has not been reported in the literature in individuals with a CCDC40-related disease. Algorithms developed to predict the effect of missense changes on protein structure and function do not agree on the potential impact of this missense change (SIFT: "Deleterious"; PolyPhen-2: "Possibly Damaging"; Align-GVGD: "Class C0"). In summary, this variant is a rare missense change with uncertain impact on protein function. It is not expected to cause disease, but the available evidence is currently insufficient to prove that conclusively. Therefore, it has been classified as a Variant of Uncertain Significance.

NM_017950.4(CCDC40):c.3184C>G (p.Leu1062Val)

Gene: CCDC40 (coiled-coil domain 40 molecular ruler complex subunit; plus strand). Cytogenetic location: 17q25.3.
Variant type: single nucleotide variant.
Coding change: c.3184C>G on transcript NM_017950.4 (MANE Select); coding-DNA position 3184, C replaced by G.
Protein change: p.Leu1062Val; replaces leucine 1062 with valine.
Molecular consequence: missense variant.
Genome position (GRCh38, 1-based): chr17:80,099,530, C>G. VCF-style: chr17-80099530-C-G. GRCh37 (hg19) VCF-style: chr17-78073329-C-G.
Other names: short protein forms L1062V.
Identifiers: ClinVar variation 1032012 (VCV001032012.8), dbSNP rs369522039, ClinGen allele CA8814666.